The following is an entry in ClinVar:

ClinVar aggregate classification (germline): Benign/Likely benign. Review status: criteria provided, multiple submitters, no conflicts (2 of 4 stars). 5 submissions from 5 submitters: Benign (1); Likely benign (4). Last evaluated 2025-07-27.

Conditions:
Familial thoracic aortic aneurysm and aortic dissection (TAAD). Also called: Thoracic aortic aneurysms and dissections. Identifiers: Orphanet 91387, MedGen C4707243, MONDO:0019625.
Hereditary cancer-predisposing syndrome. Also called: Tumor predisposition; Neoplastic Syndromes, Hereditary; Hereditary neoplastic syndrome; Hereditary Cancer Syndrome. Identifiers: Orphanet 140162, MedGen C0027672, MeSH D009386, MONDO:0015356.
Juvenile polyposis syndrome (JPS). Identifiers: Orphanet 2929, MedGen C0345893, MONDO:0017380, OMIM 174900.
Juvenile polyposis/hereditary hemorrhagic telangiectasia syndrome (JPHT). Also called: Juvenile Polyposis Syndrome / Hereditary Hemorrhagic Telangiectasia (JPS/HHT); JP/HHT SYNDROME; JUVENILE POLYPOSIS WITH HEREDITARY HEMORRHAGIC TELANGIECTASIA; POLYPOSIS, GENERALIZED JUVENILE, WITH PULMONARY ARTERIOVENOUS MALFORMATION; TELANGIECTASIA, HEREDITARY HEMORRHAGIC, WITH JUVENILE POLYPOSIS COLI. Identifiers: Orphanet 2929, MedGen C1832942, MONDO:0008278, OMIM 175050.

Submissions (5):

Labcorp Genetics (formerly Invitae), Labcorp
Classification: Likely benign for Juvenile polyposis syndrome. Last evaluated: 2025-07-27. Review status: criteria provided, single submitter. Criteria: Invitae Variant Classification Sherloc (09022015). Collection method: clinical testing. Allele origin: germline.

Myriad Genetics, Inc.
Classification: Benign for Juvenile polyposis/hereditary hemorrhagic telangiectasia syndrome. Last evaluated: 2025-03-20. Review status: criteria provided, single submitter. Criteria: Myriad Autosomal Dominant, Autosomal Recessive and X-Linked Classification Criteria (2023). Collection method: clinical testing. Allele origin: unknown.
Comment: This variant is considered benign. This variant is a silent/synonymous amino acid change and it is not expected to impact splicing.

All of Us Research Program, National Institutes of Health
Classification: Likely benign for Juvenile polyposis/hereditary hemorrhagic telangiectasia syndrome. Last evaluated: 2023-04-28. Review status: criteria provided, single submitter. Criteria: ACMG Guidelines, 2015. Collection method: clinical testing. Allele origin: germline. Inheritance: Autosomal dominant inheritance. Observed: 1 variant allele, 1 heterozygote.
Comment: This study involves interpretation of variants in research participants for the purpose of population health screening. Participant phenotype was not available at the time of variant classification. Additional details can be found in publication PMID: 35346344, PMCID: PMC8962531

Color Diagnostics, LLC DBA Color Health
Classification: Likely benign for Hereditary cancer-predisposing syndrome. Last evaluated: 2018-11-29. Review status: criteria provided, single submitter. Criteria: ACMG Guidelines, 2015. Collection method: clinical testing. Allele origin: germline.

Ambry Genetics
Classification: Likely benign for Hereditary cancer-predisposing syndrome; Familial thoracic aortic aneurysm and aortic dissection. Last evaluated: 2015-08-22. Review status: criteria provided, single submitter. Criteria: Ambry Variant Classification Scheme 2023. Collection method: clinical testing. Allele origin: germline.

NM_005359.6(SMAD4):c.924T>C (p.Leu308=)

Gene: SMAD4 (SMAD family member 4; plus strand). Cytogenetic location: 18q21.2.
Variant type: single nucleotide variant.
Coding change: c.924T>C on transcript NM_005359.6 (MANE Select); coding-DNA position 924, T replaced by C.
Protein change: p.Leu308=; no amino-acid change (leucine 308 retained).
Molecular consequence: synonymous variant.
Genome position (GRCh38, 1-based): chr18:51,059,885, T>C. VCF-style: chr18-51059885-T-C. GRCh37 (hg19) VCF-style: chr18-48586255-T-C.
Identifiers: ClinVar variation 220195 (VCV000220195.20), dbSNP rs864622414, ClinGen allele CA349594.